The following is an entry in ClinVar:

NM_002473.6(MYH9):c.1661C>G (p.Pro554Arg)

Gene: MYH9 (myosin heavy chain 9; minus strand). Cytogenetic location: 22q12.3.
Variant type: single nucleotide variant.
Coding change: c.1661C>G on transcript NM_002473.6 (MANE Select); coding-DNA position 1661, C replaced by G.
Protein change: p.Pro554Arg; replaces proline 554 with arginine.
Molecular consequence: missense variant.
Genome position (GRCh38, 1-based): chr22:36,312,116, G>C on the plus strand (C>G on the coding strand, the complement: MYH9 is on the minus strand). VCF-style: chr22-36312116-G-C. GRCh37 (hg19) VCF-style: chr22-36708161-G-C.
Other names: short protein forms P554R.
Identifiers: ClinVar variation 5037032 (VCV005037032.1).

ClinVar aggregate classification (germline): Uncertain significance (1 of 4 stars; one submission).

Submission:

GeneDx
Classification: Uncertain significance. Last evaluated: 2026-04-13. Review status: criteria provided, single submitter. Criteria: GeneDx Variant Classification Process June 2021. Collection method: clinical testing. Allele origin: germline.
Comment: Not observed at significant frequency in large population cohorts (gnomAD); In silico analysis supports that this missense variant has a deleterious effect on protein structure/function; Has not been previously published as pathogenic or benign to our knowledge